The following is an entry in ClinVar:

NM_007078.3(LDB3):c.1231+6_1231+7delinsGC

Gene: LDB3 (LIM domain binding 3; plus strand). Cytogenetic location: 10q23.2.
Variant type: Indel.
Coding change: c.1231+6_1231+7delinsGC on transcript NM_007078.3 (MANE Select); bases 6 to 7 of the intron after coding-DNA position 1231, AG replaced by GC.
Molecular consequence: intron variant.
Genome position (GRCh38, 1-based): chr10:86,710,056-86,710,057, AG replaced by GC. VCF-style: chr10-86710056-AG-GC. GRCh37 (hg19) VCF-style: chr10-88469813-AG-GC.
Other names: c.1042+6_1042+7delinsGC (NM_001368064.1, NM_001368065.1); c.1246+6_1246+7delinsGC (NM_001171610.2); c.1090+6_1090+7delinsGC (NM_001368066.1); c.901+6_901+7delinsGC (NM_001080114.2).
Identifiers: ClinVar variation 1440524 (VCV001440524.6), dbSNP rs2132466334, ClinGen allele CA2573145667.
Genomic context (GRCh38, chr10:86,710,056, plus strand): 5'-CCCAAGCCCCGGGTTGTCACCACTGCCAGCATCCGGCCTTCTGTCTACCAGCCAGGTAAG[AG>GC]GCAGAGCAGGAGGGGAGGCTGTCGAAAGCCATGGGCGGGCTCCAGGAGCCACAAGAGCCA-3'

ClinVar aggregate classification (germline): Uncertain significance (1 of 4 stars; one submission).

Conditions:
Myofibrillar myopathy 4. Also called: Zaspopathy (type). Identifiers: Orphanet 98912, MedGen C4721886, MONDO:0012277, OMIM 609452.

Submission:

Labcorp Genetics (formerly Invitae), Labcorp
Classification: Uncertain significance for Myofibrillar myopathy 4. Last evaluated: 2022-01-13. Review status: criteria provided, single submitter. Criteria: Invitae Variant Classification Sherloc (09022015). Collection method: clinical testing. Allele origin: germline.
Comment: In summary, the available evidence is currently insufficient to determine the role of this variant in disease. Therefore, it has been classified as a Variant of Uncertain Significance. Variants that disrupt the consensus splice site are a relatively common cause of aberrant splicing (PMID: 17576681, 9536098). Algorithms developed to predict the effect of sequence changes on RNA splicing suggest that this variant is not likely to affect RNA splicing. This variant has not been reported in the literature in individuals affected with LDB3-related conditions. Information on the frequency of this variant in the gnomAD database is not available, as this variant may be reported differently in the database. This sequence change falls in intron 9 of the LDB3 gene. It does not directly change the encoded amino acid sequence of the LDB3 protein. It affects a nucleotide within the consensus splice site. The LDB3 gene has multiple clinically relevant transcripts. This variant occurs in alternate transcript NM_007078.3, and corresponds to NM_001080116.1:c.*10682_*10683delinsGC in the primary transcript.

Literature cited by the submitters: PubMed 17576681; PubMed 9536098.